The following is an entry in ClinVar:

ClinVar aggregate classification (germline): Benign/Likely benign. Review status: criteria provided, multiple submitters, no conflicts (2 of 4 stars). 4 submissions from 4 submitters: Benign (1); Likely benign (3). Last evaluated 2025-04-22.

Conditions:
Inborn genetic diseases. Identifiers: MedGen C0950123, MeSH D030342.

Allele frequency attached by ClinVar (database versions not stated): ExAC 0.00005; gnomAD 0.00009; TOPMed 0.00015.
gnomAD v4.1: 151 of 1,613,950 alleles (0.0094%); highest among the groups gnomAD compares: Admixed American, 0.032%; no homozygotes.

Submissions (4):

Labcorp Genetics (formerly Invitae), Labcorp
Classification: Likely benign. Last evaluated: 2025-04-22. Review status: criteria provided, single submitter. Criteria: Invitae Variant Classification Sherloc (09022015). Collection method: clinical testing. Allele origin: germline.

Blueprint Genetics
Classification: Likely benign. Last evaluated: 2024-06-26. Review status: criteria provided, single submitter. Criteria: ACMG Guidelines, 2015. Collection method: clinical testing. Allele origin: germline.

CeGaT Center for Human Genetics Tuebingen
Classification: Likely benign. Last evaluated: 2022-05-01. Review status: criteria provided, single submitter. Criteria: CeGaT Center For Human Genetics Tuebingen Variant Classification Criteria Version 2. Collection method: clinical testing. Allele origin: germline. Affected: yes. Observed: 1 variant allele.
Comment: SMARCA2: BP4, BP7

Ambry Genetics
Classification: Benign for Inborn genetic diseases. Last evaluated: 2020-06-15. Review status: criteria provided, single submitter. Criteria: Ambry Variant Classification Scheme 2023. Collection method: clinical testing. Allele origin: germline.

NM_003070.5(SMARCA2):c.3159G>A (p.Glu1053=)

Gene: SMARCA2 (SWI/SNF related BAF chromatin remodeling complex subunit ATPase 2; plus strand). Cytogenetic location: 9p24.3.
Variant type: single nucleotide variant.
Coding change: c.3159G>A on transcript NM_003070.5 (MANE Select); coding-DNA position 3159, G replaced by A.
Protein change: p.Glu1053=; no amino-acid change (glutamic acid 1053 retained).
Molecular consequence: synonymous variant.
Genome position (GRCh38, 1-based): chr9:2,104,036, G>A. VCF-style: chr9-2104036-G-A. GRCh37 (hg19) VCF-style: chr9-2104036-G-A.
Other names: c.3159G>A, p.Glu1053= (NM_001289396.2, NM_139045.4); c.2985G>A, p.Glu995= (NM_001289397.2).
Identifiers: ClinVar variation 1728262 (VCV001728262.31), dbSNP rs201232457, ClinGen allele CA4963705.